The following is an entry in ClinVar:

NM_173630.4(RTTN):c.4619G>A (p.Arg1540Gln)

Gene: RTTN (rotatin; minus strand). Cytogenetic location: 18q22.2.
Variant type: single nucleotide variant.
Coding change: c.4619G>A on transcript NM_173630.4 (MANE Select); coding-DNA position 4619, G replaced by A.
Protein change: p.Arg1540Gln; replaces arginine 1540 with glutamine.
Molecular consequence: missense variant.
Genome position (GRCh38, 1-based): chr18:70,073,940, C>T on the plus strand (G>A on the coding strand, the complement: RTTN is on the minus strand). VCF-style: chr18-70073940-C-T. GRCh37 (hg19) VCF-style: chr18-67741176-C-T.
Other names: c.1883G>A, p.Arg628Gln (NM_001318520.2); short protein forms R1540Q, R628Q.
Identifiers: ClinVar variation 2174905 (VCV002174905.1), dbSNP rs757064005, ClinGen allele CA8995194.

ClinVar aggregate classification (germline): Uncertain significance (1 of 4 stars; one submission).

Allele frequency attached by ClinVar (database versions not stated): ExAC 0.00001; gnomAD 0.00001; gnomAD exomes 0.00001; TOPMed 0.00001.
gnomAD v4.1: 12 of 1,611,600 alleles (0.00074%); highest among the groups gnomAD compares: South Asian, 0.0022%; no homozygotes.

Submission:

Labcorp Genetics (formerly Invitae), Labcorp
Classification: Uncertain significance. Last evaluated: 2022-05-25. Review status: criteria provided, single submitter. Criteria: Invitae Variant Classification Sherloc (09022015). Collection method: clinical testing. Allele origin: germline.
Comment: This sequence change replaces arginine, which is basic and polar, with glutamine, which is neutral and polar, at codon 1540 of the RTTN protein (p.Arg1540Gln). This variant is present in population databases (rs757064005, gnomAD 0.003%). This variant has not been reported in the literature in individuals affected with RTTN-related conditions. Algorithms developed to predict the effect of missense changes on protein structure and function output the following: SIFT: "Tolerated"; PolyPhen-2: "Benign"; Align-GVGD: "Class C0". The glutamine amino acid residue is found in multiple mammalian species, which suggests that this missense change does not adversely affect protein function. In summary, the available evidence is currently insufficient to determine the role of this variant in disease. Therefore, it has been classified as a Variant of Uncertain Significance.